The following is an entry in ClinVar:

ClinVar aggregate classification (germline): Uncertain significance (1 of 4 stars; one submission).

Conditions:
Autosomal recessive severe congenital neutropenia due to CSF3R deficiency. Also called: Neutropenia, severe congenital, 7, autosomal recessive. Identifiers: Orphanet 420702, MedGen C4310764, MONDO:0014865, OMIM 617014.

Allele frequency attached by ClinVar (database versions not stated): gnomAD exomes below 0.00001; TOPMed below 0.00001.
gnomAD v4.1: 1 of 1,614,200 alleles (0.000062%); highest among the groups gnomAD compares: African/African-American, 0.0013%; no homozygotes.

Submission:

Labcorp Genetics (formerly Invitae), Labcorp
Classification: Uncertain significance for Autosomal recessive severe congenital neutropenia due to CSF3R deficiency. Last evaluated: 2024-12-09. Review status: criteria provided, single submitter. Criteria: Invitae Variant Classification Sherloc (09022015). Collection method: clinical testing. Allele origin: germline.
Comment: This sequence change replaces isoleucine, which is neutral and non-polar, with threonine, which is neutral and polar, at codon 598 of the CSF3R protein (p.Ile598Thr). This variant is not present in population databases (gnomAD no frequency). This variant has not been reported in the literature in individuals affected with CSF3R-related conditions. ClinVar contains an entry for this variant (Variation ID: 2001982). Invitae Evidence Modeling of protein sequence and biophysical properties (such as structural, functional, and spatial information, amino acid conservation, physicochemical variation, residue mobility, and thermodynamic stability) indicates that this missense variant is not expected to disrupt CSF3R protein function with a negative predictive value of 80%. In summary, the available evidence is currently insufficient to determine the role of this variant in disease. Therefore, it has been classified as a Variant of Uncertain Significance.

NM_000760.4(CSF3R):c.1793T>C (p.Ile598Thr)

Gene: CSF3R (colony stimulating factor 3 receptor; minus strand). Cytogenetic location: 1p34.3.
Variant type: single nucleotide variant.
Coding change: c.1793T>C on transcript NM_000760.4 (MANE Select); coding-DNA position 1793, T replaced by C.
Protein change: p.Ile598Thr; replaces isoleucine 598 with threonine.
Molecular consequence: missense variant.
Genome position (GRCh38, 1-based): chr1:36,467,893, A>G on the plus strand (T>C on the coding strand, the complement: CSF3R is on the minus strand). VCF-style: chr1-36467893-A-G. GRCh37 (hg19) VCF-style: chr1-36933494-A-G.
Other names: c.1793T>C, p.Ile598Thr (NM_156039.3, NM_172313.3); short protein forms I598T.
Identifiers: ClinVar variation 2001982 (VCV002001982.4), dbSNP rs1650436546, ClinGen allele CA339417805.